The following is an entry in ClinVar:

NM_001243226.3(TCF4):c.239C>T (p.Thr80Met)

Gene: TCF4 (transcription factor 4; minus strand). Cytogenetic location: 18q21.2.
Variant type: single nucleotide variant.
Coding change: c.239C>T on transcript NM_001243226.3; coding-DNA position 239, C replaced by T.
Protein change: p.Thr80Met; replaces threonine 80 with methionine.
Molecular consequence: missense variant.
Genome position (GRCh38, 1-based): chr18:55,631,345, G>A on the plus strand (C>T on the coding strand, the complement: TCF4 is on the minus strand). VCF-style: chr18-55631345-G-A. GRCh37 (hg19) VCF-style: chr18-53298576-G-A.
Other names: short protein forms T80M.
Identifiers: ClinVar variation 808400 (VCV000808400.40), dbSNP rs918143909, ClinGen allele CA301186775.
Genomic context (GRCh38, chr18:55,631,345, plus strand): 5'-GTGATCCACCTACCTTGGCCTCCCAAAGTGCTGGGATTACAGGTGTGAGCCACCATGCCC[G>A]TCCAAGAGATAATGTTCTTAGATTGGTGTTTACAAAACATTTGCTGCAGGGTGGAGAAAA-3'

ClinVar aggregate classification (germline): Likely benign (1 of 4 stars; one submission).

Allele frequency attached by ClinVar (database versions not stated): gnomAD exomes 0.00003 and 0.00004; TOPMed 0.00004; gnomAD 0.00004 and 0.00003.
gnomAD v4.1: 65 of 1,547,784 alleles (0.0042%); highest among the groups gnomAD compares: South Asian, 0.006%; no homozygotes.

Submission:

CeGaT Center for Human Genetics Tuebingen
Classification: Likely benign. Last evaluated: 2026-01-01. Review status: criteria provided, single submitter. Criteria: CeGaT Center For Human Genetics Tuebingen Variant Classification Criteria Version 2. Collection method: clinical testing. Allele origin: germline. Affected: yes. Observed: 3 variant alleles.
Comment: TCF4: BP4, BS2